The following is an entry in ClinVar:

NM_003036.4(SKI):c.1880T>A (p.Met627Lys)

Gene: SKI (SKI proto-oncogene; plus strand). Cytogenetic location: 1p36.32.
Variant type: single nucleotide variant.
Coding change: c.1880T>A on transcript NM_003036.4 (MANE Select); coding-DNA position 1880, T replaced by A.
Protein change: p.Met627Lys; replaces methionine 627 with lysine.
Molecular consequence: missense variant.
Genome position (GRCh38, 1-based): chr1:2,306,132, T>A. VCF-style: chr1-2306132-T-A. GRCh37 (hg19) VCF-style: chr1-2237571-T-A.
Other names: short protein forms M627K.
Identifiers: ClinVar variation 3796274 (VCV003796274.1).

ClinVar aggregate classification (germline): Uncertain significance (1 of 4 stars; one submission).

Conditions:
Familial thoracic aortic aneurysm and aortic dissection (TAAD). Also called: Thoracic aortic aneurysms and dissections. Identifiers: Orphanet 91387, MedGen C4707243, MONDO:0019625.

gnomAD v4.1: 1 of 1,597,122 alleles (0.000063%); highest among the groups gnomAD compares: Non-Finnish European, 0.000085%; no homozygotes.

Submission:

Ambry Genetics
Classification: Uncertain significance for Familial thoracic aortic aneurysm and aortic dissection. Last evaluated: 2025-02-20. Review status: criteria provided, single submitter. Criteria: Ambry Variant Classification Scheme 2023. Collection method: clinical testing. Allele origin: germline.
Comment: The p.M627K variant (also known as c.1880T>A), located in coding exon 6 of the SKI gene, results from a T to A substitution at nucleotide position 1880. The methionine at codon 627 is replaced by lysine, an amino acid with similar properties. This amino acid position is conserved. In addition, the in silico prediction for this alteration is inconclusive. Based on the available evidence, the clinical significance of this variant remains unclear.